The following is an entry in ClinVar:

NM_138694.4(PKHD1):c.10233G>C (p.Val3411=)

Gene: PKHD1 (PKHD1 ciliary IPT domain containing fibrocystin/polyductin; minus strand). Cytogenetic location: 6p12.3.
Variant type: single nucleotide variant.
Coding change: c.10233G>C on transcript NM_138694.4 (MANE Select); coding-DNA position 10233, G replaced by C.
Protein change: p.Val3411=; no amino-acid change (valine 3411 retained).
Molecular consequence: synonymous variant.
Genome position (GRCh38, 1-based): chr6:51,659,893, C>G on the plus strand (G>C on the coding strand, the complement: PKHD1 is on the minus strand). VCF-style: chr6-51659893-C-G. GRCh37 (hg19) VCF-style: chr6-51524691-C-G.
Other names: c.10233G>C (NM_138694.3).
Identifiers: ClinVar variation 1146784 (VCV001146784.13), dbSNP rs1162292670, ClinGen allele CA450613341.

ClinVar aggregate classification (germline): Likely benign. Review status: criteria provided, multiple submitters, no conflicts (2 of 4 stars). 4 submissions from 4 submitters: Likely benign (3). 1 of the submissions does not count toward it. Last evaluated 2024-03-11.

Conditions:
PKHD1-related disorder. Also called: PKHD1-related condition.
Autosomal recessive polycystic kidney disease (ARPKD). Also called: AR polycystic kidney disease. Identifiers: Orphanet 731, Orphanet 8378, MedGen C0085548, MeSH D017044, MONDO:0009889.
Polycystic kidney disease 4 (PKD4). Also called: PKD3; POLYCYSTIC KIDNEY AND HEPATIC DISEASE 1; POLYCYSTIC KIDNEY DISEASE, INFANTILE, TYPE I; Autosomal Recessive Polycystic Kidney Disease – PKHD1; POLYCYSTIC KIDNEY DISEASE 4 WITH OR WITHOUT POLYCYSTIC LIVER DISEASE. Identifiers: MedGen C4540575, MONDO:0033004, OMIM 263200.

Allele frequency attached by ClinVar (database versions not stated): gnomAD 0.00001 and 0.00002; TOPMed 0.00003.
gnomAD v4.1: 4 of 1,612,708 alleles (0.00025%); highest among the groups gnomAD compares: African/African-American, 0.0027%; no homozygotes.

Submissions (4):

Blueprint Genetics
Classification: Likely benign. Last evaluated: 2024-03-11. Review status: criteria provided, single submitter. Criteria: ACMG Guidelines, 2015. Collection method: clinical testing. Allele origin: germline.

Labcorp Genetics (formerly Invitae), Labcorp
Classification: Likely benign for Autosomal recessive polycystic kidney disease. Last evaluated: 2023-06-01. Review status: criteria provided, single submitter. Criteria: Invitae Variant Classification Sherloc (09022015). Collection method: clinical testing. Allele origin: germline.

Fulgent Genetics
Classification: Likely benign for Polycystic kidney disease 4. Last evaluated: 2021-08-23. Review status: criteria provided, single submitter. Criteria: ACMG Guidelines, 2015. Collection method: clinical testing. Allele origin: unknown.

PreventionGenetics, part of Exact Sciences
Classification: Likely benign for PKHD1-related condition. Last evaluated: 2023-08-15. Review status: no assertion criteria provided. Collection method: clinical testing. Allele origin: germline. Not counted in ClinVar's aggregate classification.
Comment: This variant is classified as likely benign based on ACMG/AMP sequence variant interpretation guidelines (Richards et al. 2015 PMID: 25741868, with internal and published modifications).